The following is an entry in ClinVar:

ClinVar aggregate classification (germline): Pathogenic. Review status: criteria provided, multiple submitters, no conflicts (2 of 4 stars). 6 submissions from 6 submitters: Pathogenic (5). 1 of the submissions does not count toward it. Last evaluated 2024-10-22.

Conditions:
Retinitis pigmentosa (RP). Identifiers: Orphanet 791, MedGen C0035334, MeSH D012174, MONDO:0019200, OMIM 268000. Inheritance: Autosomal dominant, autosomal recessive and X linked inheritance.
Retinitis pigmentosa 43 (RP43). Identifiers: Orphanet 791, MedGen C3151139, MONDO:0013437, OMIM 613810.

Allele frequency attached by ClinVar (database versions not stated): TOPMed 0.00001; gnomAD 0.00001.
gnomAD v4.1: 4 of 1,613,874 alleles (0.00025%); highest among the groups gnomAD compares: Admixed American, 0.0017%; no homozygotes.

Submissions (6):

Labcorp Genetics (formerly Invitae), Labcorp
Classification: Pathogenic. Last evaluated: 2024-10-22. Review status: criteria provided, single submitter. Criteria: Invitae Variant Classification Sherloc (09022015). Collection method: clinical testing. Allele origin: germline.
Comment: This sequence change creates a premature translational stop signal (p.Tyr583*) in the PDE6A gene. It is expected to result in an absent or disrupted protein product. Loss-of-function variants in PDE6A are known to be pathogenic (PMID: 7493036, 22128245, 23847139). This variant is not present in population databases (gnomAD no frequency). This premature translational stop signal has been observed in individual(s) with retinitis pigmentosa (PMID: 7493036). ClinVar contains an entry for this variant (Variation ID: 13110). For these reasons, this variant has been classified as Pathogenic.

Fulgent Genetics
Classification: Pathogenic for Retinitis pigmentosa 43. Last evaluated: 2024-03-30. Review status: criteria provided, single submitter. Criteria: ACMG Guidelines, 2015. Collection method: clinical testing. Allele origin: germline.

Women's Health and Genetics/Laboratory Corporation of America, LabCorp
Classification: Pathogenic for Retinitis pigmentosa 43. Last evaluated: 2024-03-27. Review status: criteria provided, single submitter. Criteria: LabCorp Variant Classification Summary - May 2015. Collection method: clinical testing. Allele origin: germline.
Comment: Variant summary: PDE6A c.1749C>G (p.Tyr583X) results in a premature termination codon, predicted to cause a truncation of the encoded protein or absence of the protein due to nonsense mediated decay, which are commonly known mechanisms for disease. The variant was absent in 251354 control chromosomes (gnomAD). c.1749C>G has been reported in the literature in individuals affected with Retinitis pigmentosa (example: Huang_1995). The following publication has been ascertained in the context of this evaluation (PMID: 7493036). ClinVar contains an entry for this variant (Variation ID: 13110). Based on the evidence outlined above, the variant was classified as pathogenic.

Centre for Mendelian Genomics, University Medical Centre Ljubljana
Classification: Pathogenic for Retinitis pigmentosa 43. Last evaluated: 2019-05-31. Review status: criteria provided, single submitter. Criteria: ACMG Guidelines, 2015. Collection method: clinical testing. Allele origin: unknown. Affected: yes.
Comment: This variant was classified as: Pathogenic. The following ACMG criteria were applied in classifying this variant: PVS1,PM1,PP3.

Mendelics
Classification: Pathogenic for Retinitis pigmentosa. Last evaluated: 2019-05-28. Review status: criteria provided, single submitter. Criteria: Mendelics Assertion Criteria 2017. Collection method: clinical testing. Allele origin: unknown.

OMIM
Classification: Pathogenic for RETINITIS PIGMENTOSA 43. Last evaluated: 1995-12-01. Review status: no assertion criteria provided. Collection method: literature only. Allele origin: germline. Not counted in ClinVar's aggregate classification.

Literature cited by the submitters: PubMed 7493036 (cited by 3 submitters); PubMed 22128245 (cited by Labcorp Genetics (formerly Invitae), Labcorp); PubMed 23847139 (cited by Labcorp Genetics (formerly Invitae), Labcorp).

NM_000440.3(PDE6A):c.1749C>G (p.Tyr583Ter)

Gene: PDE6A (phosphodiesterase 6A; minus strand). Cytogenetic location: 5q32.
Variant type: single nucleotide variant.
Coding change: c.1749C>G on transcript NM_000440.3 (MANE Select); coding-DNA position 1749, C replaced by G.
Protein change: p.Tyr583Ter; replaces tyrosine 583 with a stop codon.
Molecular consequence: nonsense.
Genome position (GRCh38, 1-based): chr5:149,886,354, G>C on the plus strand (C>G on the coding strand, the complement: PDE6A is on the minus strand). VCF-style: chr5-149886354-G-C. GRCh37 (hg19) VCF-style: chr5-149265917-G-C.
Other names: short protein forms Y583*.
Identifiers: ClinVar variation 13110 (VCV000013110.14), dbSNP rs121918576, ClinGen allele CA256725.